The following is an entry in ClinVar:

NM_024884.3(L2HGDH):c.1258G>A (p.Val420Ile)

Gene: L2HGDH (L-2-hydroxyglutarate dehydrogenase; minus strand). Cytogenetic location: 14q21.3.
Variant type: single nucleotide variant.
Coding change: c.1258G>A on transcript NM_024884.3 (MANE Select); coding-DNA position 1258, G replaced by A.
Protein change: p.Val420Ile; replaces valine 420 with isoleucine.
Molecular consequence: missense variant.
Genome position (GRCh38, 1-based): chr14:50,247,192, C>T on the plus strand (G>A on the coding strand, the complement: L2HGDH is on the minus strand). VCF-style: chr14-50247192-C-T. GRCh37 (hg19) VCF-style: chr14-50713910-C-T.
Other names: short protein forms V420I.
Identifiers: ClinVar variation 2114193 (VCV002114193.4), dbSNP rs755837506, ClinGen allele CA7177757.

ClinVar aggregate classification (germline): Uncertain significance (1 of 4 stars; one submission).

Conditions:
L-2-hydroxyglutaric aciduria (L2HGA). Identifiers: Orphanet 79314, MedGen C1855995, MONDO:0009370, OMIM 236792, HP:0040144.

Allele frequency attached by ClinVar (database versions not stated): gnomAD exomes below 0.00001; TOPMed below 0.00001; ExAC 0.00001; gnomAD 0.00001.
gnomAD v4.1: 8 of 1,614,044 alleles (0.0005%); highest among the groups gnomAD compares: Non-Finnish European, 0.00059%; no homozygotes.

Submission:

Labcorp Genetics (formerly Invitae), Labcorp
Classification: Uncertain significance for L-2-hydroxyglutaric aciduria. Last evaluated: 2022-10-24. Review status: criteria provided, single submitter. Criteria: Invitae Variant Classification Sherloc (09022015). Collection method: clinical testing. Allele origin: germline.
Comment: In summary, the available evidence is currently insufficient to determine the role of this variant in disease. Therefore, it has been classified as a Variant of Uncertain Significance. Advanced modeling of protein sequence and biophysical properties (such as structural, functional, and spatial information, amino acid conservation, physicochemical variation, residue mobility, and thermodynamic stability) performed at Invitae indicates that this missense variant is not expected to disrupt L2HGDH protein function. This variant has not been reported in the literature in individuals affected with L2HGDH-related conditions. This variant is present in population databases (rs755837506, gnomAD 0.0009%). This sequence change replaces valine, which is neutral and non-polar, with isoleucine, which is neutral and non-polar, at codon 420 of the L2HGDH protein (p.Val420Ile).